The following is an entry in ClinVar:

ClinVar aggregate classification (germline): Benign (1 of 4 stars; one submission).

Allele frequency attached by ClinVar (database versions not stated): gnomAD exomes 0.67985; gnomAD 0.74030 and 0.74158; TOPMed 0.75994; 1000 Genomes Project 30x 0.80543; 1000 Genomes Project 0.80970.
gnomAD v4.1: 299,112 of 425,906 alleles (70%); highest among the groups gnomAD compares: African/African-American, 91%; 107,366 homozygotes.

Submission:

GeneDx
Classification: Benign. Last evaluated: 2018-06-14. Review status: criteria provided, single submitter. Criteria: GeneDx Variant Classification (06012015). Collection method: clinical testing. Allele origin: germline. Affected: yes.
Comment: This variant is considered likely benign or benign based on one or more of the following criteria: it is a conservative change, it occurs at a poorly conserved position in the protein, it is predicted to be benign by multiple in silico algorithms, and/or has population frequency not consistent with disease.

NM_032119.4(ADGRV1):c.4929+234G>A

Gene: ADGRV1 (adhesion G protein-coupled receptor V1; plus strand). Cytogenetic location: 5q14.3.
Variant type: single nucleotide variant.
Coding change: c.4929+234G>A on transcript NM_032119.4 (MANE Select); 234 bases into the intron after coding-DNA position 4929, G replaced by A.
Molecular consequence: intron variant.
Genome position (GRCh38, 1-based): chr5:90,672,956, G>A. VCF-style: chr5-90672956-G-A. GRCh37 (hg19) VCF-style: chr5-89968773-G-A.
Identifiers: ClinVar variation 678796 (VCV000678796.1), dbSNP rs1028192, ClinGen allele CA16234087.
Genomic context (GRCh38, chr5:90,672,956, plus strand): 5'-AGGTAGAGTTAGTTTCTTCATCACTTTATTTTGTACAGAACTTTATCATGACATTTTTGC[G>A]TTGGATTTTAAGTGATTTCCTATGGATCTGTCTCCTATGATAGATTGGGACTGGGGCCAT-3'